The following is an entry in ClinVar:

NM_014264.5(PLK4):c.793A>G (p.Met265Val)

Gene: PLK4 (polo like kinase 4; plus strand). Cytogenetic location: 4q28.1.
Variant type: single nucleotide variant.
Coding change: c.793A>G on transcript NM_014264.5 (MANE Select); coding-DNA position 793, A replaced by G.
Protein change: p.Met265Val; replaces methionine 265 with valine.
Molecular consequence: missense variant.
Genome position (GRCh38, 1-based): chr4:127,886,163, A>G. VCF-style: chr4-127886163-A-G. GRCh37 (hg19) VCF-style: chr4-128807318-A-G.
Other names: c.697A>G, p.Met233Val (NM_001190799.2); c.670A>G, p.Met224Val (NM_001190801.2); short protein forms M224V, M265V, M233V.
Identifiers: ClinVar variation 1961120 (VCV001961120.2), dbSNP rs377756201, ClinGen allele CA3076634.

ClinVar aggregate classification (germline): Uncertain significance (1 of 4 stars; one submission).

Allele frequency attached by ClinVar (database versions not stated): gnomAD exomes below 0.00001; ExAC 0.00002; ESP Exome Variant Server 0.00008.
gnomAD v4.1: 6 of 1,614,014 alleles (0.00037%); highest among the groups gnomAD compares: Non-Finnish European, 0.00042%; no homozygotes.

Submission:

Labcorp Genetics (formerly Invitae), Labcorp
Classification: Uncertain significance. Last evaluated: 2022-06-01. Review status: criteria provided, single submitter. Criteria: Invitae Variant Classification Sherloc (09022015). Collection method: clinical testing. Allele origin: germline.
Comment: This sequence change replaces methionine, which is neutral and non-polar, with valine, which is neutral and non-polar, at codon 265 of the PLK4 protein (p.Met265Val). This variant is present in population databases (rs377756201, gnomAD 0.004%). This variant has not been reported in the literature in individuals affected with PLK4-related conditions. Algorithms developed to predict the effect of missense changes on protein structure and function are either unavailable or do not agree on the potential impact of this missense change (SIFT: "Deleterious"; PolyPhen-2: "Possibly Damaging"; Align-GVGD: "Class C15"). In summary, the available evidence is currently insufficient to determine the role of this variant in disease. Therefore, it has been classified as a Variant of Uncertain Significance.